The following is an entry in ClinVar:

NM_005477.3(HCN4):c.106G>A (p.Gly36Arg)

Gene: HCN4 (hyperpolarization activated cyclic nucleotide gated potassium channel 4; minus strand). Cytogenetic location: 15q24.1.
Variant type: single nucleotide variant.
Coding change: c.106G>A on transcript NM_005477.3 (MANE Select); coding-DNA position 106, G replaced by A.
Protein change: p.Gly36Arg; replaces glycine 36 with arginine.
Molecular consequence: missense variant.
Genome position (GRCh38, 1-based): chr15:73,368,165, C>T on the plus strand (G>A on the coding strand, the complement: HCN4 is on the minus strand). VCF-style: chr15-73368165-C-T. GRCh37 (hg19) VCF-style: chr15-73660506-C-T.
Other names: short protein forms G36R.
Identifiers: ClinVar variation 263981 (VCV000263981.9), dbSNP rs886039001, ClinGen allele CA10587884.

ClinVar aggregate classification (germline): Uncertain significance. Review status: criteria provided, multiple submitters, no conflicts (2 of 4 stars). 2 submissions from 2 submitters: Uncertain significance (2). Last evaluated 2025-10-10.

Conditions:
Cardiovascular phenotype. Identifiers: MedGen CN230736.
Brugada syndrome 8 (BRGDA8). Identifiers: Orphanet 130, MedGen C2751083, MONDO:0013148, OMIM 613123.

gnomAD v4.1: 3 of 1,529,408 alleles (0.0002%); highest among the groups gnomAD compares: Non-Finnish European, 0.00026%; no homozygotes.

Submissions (2):

Labcorp Genetics (formerly Invitae), Labcorp
Classification: Uncertain significance for Brugada syndrome 8. Last evaluated: 2025-10-10. Review status: criteria provided, single submitter. Criteria: Invitae Variant Classification Sherloc (09022015). Collection method: clinical testing. Allele origin: germline.
Comment: This sequence change replaces glycine, which is neutral and non-polar, with arginine, which is basic and polar, at codon 36 of the HCN4 protein (p.Gly36Arg). This variant is not present in population databases (gnomAD no frequency). This variant has not been reported in the literature in individuals affected with HCN4-related conditions. ClinVar contains an entry for this variant (Variation ID: 263981). Invitae Evidence Modeling of protein sequence and biophysical properties (such as structural, functional, and spatial information, amino acid conservation, physicochemical variation, residue mobility, and thermodynamic stability) has been performed for this missense variant. However, the output from this modeling did not meet the statistical confidence thresholds required to predict the impact of this variant on HCN4 protein function. In summary, the available evidence is currently insufficient to determine the role of this variant in disease. Therefore, it has been classified as a Variant of Uncertain Significance.

Ambry Genetics
Classification: Uncertain significance for Cardiovascular phenotype. Last evaluated: 2015-05-04. Review status: criteria provided, single submitter. Criteria: Ambry Variant Classification Scheme 2023. Collection method: clinical testing. Allele origin: germline.
Comment: The p.G36R variant (also known as c.106G>A), located in coding exon 1 of the HCN4 gene, results from a G to A substitution at nucleotide position 106. The glycine at codon 36 is replaced by arginine, an amino acid with dissimilar properties. This variant was not reported in population based cohorts in the following databases: Database of Single Nucleotide Polymorphisms (dbSNP), NHLBI Exome Sequencing Project (ESP), and 1000 Genomes Project. In the ESP, this variant was not observed in 5511 samples (11022 alleles) with coverage at this position. This amino acid position is not well conserved on limited sequence alignment. In addition, the in silico prediction for this alteration is inconclusive. Since supporting evidence is not available at this time, the significance of this variant is unclear.